The following is an entry in ClinVar:

NM_000179.3(MSH6):c.3070C>T (p.Arg1024Trp)

Gene: MSH6 (mutS homolog 6; plus strand). Cytogenetic location: 2p16.3.
Variant type: single nucleotide variant.
Coding change: c.3070C>T on transcript NM_000179.3 (MANE Select); coding-DNA position 3070, C replaced by T.
Protein change: p.Arg1024Trp; replaces arginine 1024 with tryptophan.
Molecular consequence: missense variant.
Genome position (GRCh38, 1-based): chr2:47,801,053, C>T. VCF-style: chr2-47801053-C-T. GRCh37 (hg19) VCF-style: chr2-48028192-C-T.
Other names: c.2680C>T, p.Arg894Trp (NM_001281492.2); c.2164C>T, p.Arg722Trp (NM_001281493.2, NM_001281494.2); short protein forms R1024W, R894W, R722W.
Identifiers: ClinVar variation 237175 (VCV000237175.36), dbSNP rs370505117, ClinGen allele CA10582076.

ClinVar aggregate classification (germline): Conflicting classifications of pathogenicity. Review status: criteria provided, conflicting classifications (1 of 4 stars). 13 submissions from 13 submitters: Uncertain significance (11); Likely benign (2). Last evaluated 2026-08-07.

Conditions:
MSH6-related disorder. Also called: MSH6-related condition; MSH6-Related disorders.
Hereditary nonpolyposis colorectal neoplasms. Identifiers: MedGen C0009405, MeSH D003123.
Endometrial carcinoma. Also called: Endometrial carcinoma, somatic. Identifiers: MedGen C0476089, MONDO:0002447, OMIM 608089, HP:0012114.
Lynch syndrome 5 (LYNCH5). Also called: Colorectal cancer, hereditary nonpolyposis, type 5; Hereditary non-polyposis colorectal cancer, type 5. Identifiers: Orphanet 144, MedGen C1833477, MONDO:0013710, OMIM 614350. Disease mechanism: loss of function.
Mismatch repair cancer syndrome 3. Identifiers: MedGen C5436807, MONDO:0030841, OMIM 619097.
Hereditary cancer-predisposing syndrome. Also called: Hereditary Cancer Syndrome; Tumor predisposition; Hereditary neoplastic syndrome; Neoplastic Syndromes, Hereditary. Identifiers: Orphanet 140162, MedGen C0027672, MeSH D009386, MONDO:0015356.
Lynch syndrome. Identifiers: Orphanet 144, MedGen C4552100, MONDO:0005835. Disease mechanism: loss of function.
Breast-ovarian cancer, familial, susceptibility to, 1 (BROVCA1). Also called: OVARIAN CANCER, SUSCEPTIBILITY TO; BRCA1 Hereditary Breast and Ovarian Cancer. Identifiers: Orphanet 145, MedGen C2676676, MONDO:0011450, OMIM 604370. Disease mechanism: loss of function.

Allele frequency attached by ClinVar (database versions not stated): gnomAD exomes 0.00001 and below 0.00001; TOPMed 0.00001.
gnomAD v4.1: 13 of 1,601,776 alleles (0.00081%); highest among the groups gnomAD compares: East Asian, 0.0022%; no homozygotes.

Submissions (13):

Myriad Genetics, Inc.
Classification: Likely benign for Lynch syndrome 5. Last evaluated: 2026-08-07. Review status: criteria provided, single submitter. Criteria: Myriad Autosomal Dominant, Autosomal Recessive and X-Linked Classification Criteria (2023). Collection method: clinical testing. Allele origin: unknown.
Comment: This variant is considered likely benign. This variant is strongly associated with less severe personal and family histories of cancer, typical for individuals without pathogenic variants in this gene [PMID: 27363726].

Ambry Genetics
Classification: Uncertain significance for Hereditary cancer-predisposing syndrome. Last evaluated: 2026-04-20. Review status: criteria provided, single submitter. Criteria: Ambry Variant Classification Scheme 2023. Collection method: clinical testing. Allele origin: germline.
Comment: The c.3070C>T (p.R1024W) alteration is located in exon 4 (coding exon 4) of the MSH6 gene. This alteration results from a C to T substitution at nucleotide position 3070, causing the arginine (R) at amino acid position 1024 to be replaced by a tryptophan (W). Based on data from gnomAD, the T allele has an overall frequency of <0.001% (1/242432) total alleles studied. The highest observed frequency was <0.001% (/) of alleles. Based on insufficient or conflicting evidence, the clinical significance of this alteration remains unclear.

Labcorp Genetics (formerly Invitae), Labcorp
Classification: Likely benign for Hereditary nonpolyposis colorectal neoplasms. Last evaluated: 2026-01-27. Review status: criteria provided, single submitter. Criteria: Invitae Variant Classification Sherloc (09022015). Collection method: clinical testing. Allele origin: germline.

Institute of Immunology and Genetics Kaiserslautern
Classification: Uncertain significance for Breast-ovarian cancer, familial, susceptibility to, 1. Last evaluated: 2025-10-16. Review status: criteria provided, single submitter. Criteria: ACMG Guidelines, 2015. Collection method: clinical testing. Allele origin: germline. Affected: no.
Comment: ACMG Criteria: PM2_P; PP3; Variant was found in heterozygous state.

PreventionGenetics, part of Exact Sciences
Classification: Uncertain significance for MSH6-related condition. Last evaluated: 2025-09-03. Review status: criteria provided, single submitter. Criteria: ACMG Guidelines, 2015. Collection method: clinical testing. Allele origin: germline.
Comment: The MSH6 c.3070C>T variant is predicted to result in the amino acid substitution p.Arg1024Trp. This variant has been reported with uncertain significance in a study of individuals with pancreatic cancer and in a study of patients with breast and/or ovarian cancers (Supplemental Info 2, Cohort 1 VUS, Tung et al. 2014. PubMed ID: 25186627; Supplementary Table 6, Mizukami et al. 2020. PubMed ID: 32980694; Supplemental Data, Breast Cancer Association Consortium et al. 2021. PubMed ID: 33471991). This variant has also been reported in a cohort study of individuals with autism (Supplementary Data 1, Zhou et al. 2022. PubMed ID: 35982159). In addition, this variant has been reported in control populations (Supplemental Data, Breast Cancer Association Consortium et al. 2021. PubMed ID: 33471991; Supplementary Table 2, Okawa. 2023. PubMed ID: 36243179). This variant is reported in 0.0047% of alleles in individuals of European (Finnish) descent in gnomAD and has conflicting interpretations in ClinVar, ranging from uncertain to likely benign (Variation ID: 237175). At this time, the clinical significance of this variant is uncertain due to the absence of conclusive functional and genetic evidence.

Color Diagnostics, LLC DBA Color Health
Classification: Uncertain significance for Hereditary cancer-predisposing syndrome. Last evaluated: 2024-12-23. Review status: criteria provided, single submitter. Criteria: ACMG Guidelines, 2015. Collection method: clinical testing. Allele origin: germline.
Comment: This missense variant replaces arginine with tryptophan at codon 1024 of the MSH6 protein. Computational prediction suggests that this variant may have deleterious impact on protein structure and function (internally defined REVEL score threshold >= 0.7, PMID: 27666373). To our knowledge, functional studies have not been reported for this variant. This variant has not been reported in individuals affected with MSH6-related disorders in the literature. This variant has been identified in 13/1601776 chromosomes in the general population by the Genome Aggregation Database (gnomAD). The available evidence is insufficient to determine the role of this variant in disease conclusively. Therefore, this variant is classified as a Variant of Uncertain Significance.

Quest Diagnostics Nichols Institute San Juan Capistrano
Classification: Uncertain significance. Last evaluated: 2024-07-02. Review status: criteria provided, single submitter. Criteria: Quest Diagnostics criteria. Collection method: clinical testing. Allele origin: unknown.
Comment: The MSH6 c.3070C>T (p.Arg1024Trp) variant has been reported in the published literature in an individual affected with breast and ovarian cancer (PMID: 25186627 (2015)) as well as in reportedly healthy individuals (PMIDs: 36243179 (2023), 32980694 (2020)). In a large scale case-control study, this variant was observed in additional cases with breast cancer and in reportedly healthy individuals (PMID: 33471991 (2021), see also LOVD). The frequency of this variant in the general population, 0.0000041 (1/242432 chromosomes (Genome Aggregation Database)), is uninformative in the assessment of its pathogenicity. Analysis of this variant using bioinformatics tools for the prediction of the effect of amino acid changes on protein structure and function yielded conflicting predictions that this variant is benign or damaging. Based on the available information, we are unable to determine the clinical significance of this variant.

Baylor Genetics
Classification: Uncertain significance for Endometrial carcinoma. Last evaluated: 2024-03-13. Review status: criteria provided, single submitter. Criteria: ACMG Guidelines, 2015. Collection method: clinical testing. Allele origin: unknown.

All of Us Research Program, National Institutes of Health
Classification: Uncertain significance for Lynch syndrome. Last evaluated: 2023-04-28. Review status: criteria provided, single submitter. Criteria: ACMG Guidelines, 2015. Collection method: clinical testing. Allele origin: germline. Inheritance: Autosomal dominant inheritance. Observed: 2 variant alleles, 2 heterozygotes.
Comment: This missense variant replaces arginine with tryptophan at codon 1024 of the MSH6 protein. Computational prediction suggests that this variant may have deleterious impact on protein structure and function (internally defined REVEL score threshold >= 0.7, PMID: 27666373). To our knowledge, functional studies have not been reported for this variant. This variant has not been reported in individuals affected with MSH6-related disorders in the literature. This variant has been identified in 1/242432 chromosomes in the general population by the Genome Aggregation Database (gnomAD). The available evidence is insufficient to determine the role of this variant in disease conclusively. Therefore, this variant is classified as a Variant of Uncertain Significance.

This study involves interpretation of variants in research participants for the purpose of population health screening. Participant phenotype was not available at the time of variant classification. Additional details can be found in publication PMID: 35346344, PMCID: PMC8962531

Institute for Biomarker Research, Medical Diagnostic Laboratories, L.L.C.
Classification: Uncertain significance for Hereditary cancer-predisposing syndrome. Last evaluated: 2023-04-18. Review status: criteria provided, single submitter. Criteria: ACMG Guidelines, 2015. Collection method: clinical testing. Allele origin: germline.

GeneDx
Classification: Uncertain significance. Last evaluated: 2022-03-10. Review status: criteria provided, single submitter. Criteria: GeneDx Variant Classification Process June 2021. Collection method: clinical testing. Allele origin: germline. Affected: yes.
Comment: Not observed at a significant frequency in large population cohorts (gnomAD); In silico analysis supports that this missense variant has a deleterious effect on protein structure/function; Observed in a patient with breast and ovarian cancer (Tung 2015); This variant is associated with the following publications: (PMID: 23621914, doi:10.5923/j.bioinformatics.20160602.03, 25186627, 17531815, 21120944)

Sema4
Classification: Uncertain significance for Hereditary cancer-predisposing syndrome. Last evaluated: 2022-02-10. Review status: criteria provided, single submitter. Criteria: Sema4 Curation Guidelines. Collection method: curation. Allele origin: germline.
Comment: The MSH6 c.3070C>T (p.R1024W) variant has been reported in heterozygosity in at least one individual with breast and/or ovarian cancer (PMID: 25186627). It was also reported in 4/60466 breast cancer cases and 3/53461 healthy controls by a large case-control study (PMID: 33471991). It was observed in 1/21148 chromosomes of the Finnish subpopulation in the large and broad cohorts of the Genome Aggregation Database (PMID: 32461654). The variant has been reported in ClinVar (Variation ID 237175). In silico tools suggest the impact of the variant on protein function is deleterious, though these predictions have not been confirmed by functional studies. The evidence is insufficient to meet ACMG/AMP criteria for classifying the variant as benign or pathogenic. Thus, the clinical significance of this variant is currently uncertain.

Fulgent Genetics
Classification: Uncertain significance for Endometrial carcinoma; Lynch syndrome 5; Mismatch repair cancer syndrome 3. Last evaluated: 2021-08-31. Review status: criteria provided, single submitter. Criteria: ACMG Guidelines, 2015. Collection method: clinical testing. Allele origin: unknown.

Literature cited by the submitters: PubMed 27363726 (cited by Myriad Genetics, Inc.); PubMed 36243179 (cited by Quest Diagnostics Nichols Institute San Juan Capistrano); PubMed 33471991 (cited by Quest Diagnostics Nichols Institute San Juan Capistrano and Sema4); PubMed 32980694 (cited by Quest Diagnostics Nichols Institute San Juan Capistrano and Sema4); PubMed 25186627 (cited by Quest Diagnostics Nichols Institute San Juan Capistrano and Sema4).